The following is an entry in ClinVar:

NM_007294.4(BRCA1):c.1696A>C (p.Lys566Gln)

Gene: BRCA1 (BRCA1 DNA repair associated; minus strand). Cytogenetic location: 17q21.31.
Variant type: single nucleotide variant.
Coding change: c.1696A>C on transcript NM_007294.4 (MANE Select); coding-DNA position 1696, A replaced by C.
Protein change: p.Lys566Gln; replaces lysine 566 with glutamine.
Molecular consequence: missense variant. On other transcripts: intron variant (137).
Genome position (GRCh38, 1-based): chr17:43,093,835, T>G on the plus strand (A>C on the coding strand, the complement: BRCA1 is on the minus strand). VCF-style: chr17-43093835-T-G. GRCh37 (hg19) VCF-style: chr17-41245852-T-G.
Other names: c.1483A>C, p.Lys495Gln (NM_001407571.1, NM_001407853.1, NM_001407894.1 and 9 more transcripts); c.1696A>C, p.Lys566Gln (NM_001407581.1, NM_001407582.1, NM_001407583.1 and 30 more transcripts); c.1693A>C, p.Lys565Gln (NM_001407587.1, NM_001407590.1, NM_001407591.1 and 22 more transcripts); c.1687A>C, p.Lys563Gln (NM_001407646.1, NM_001407647.1); c.1573A>C, p.Lys525Gln (NM_001407648.1, NM_001407664.1, NM_001407665.1 and 19 more transcripts); c.1570A>C, p.Lys524Gln (NM_001407649.1, NM_001407670.1, NM_001407671.1 and 11 more transcripts); c.1618A>C, p.Lys540Gln (NM_001407653.1, NM_001407654.1, NM_001407655.1 and 4 more transcripts); c.1615A>C, p.Lys539Gln (NM_001407659.1, NM_001407660.1, NM_001407661.1 and 1 more transcripts); and 40 more; short protein forms K566Q, K519Q, K439Q, K539Q, K270Q, K398Q, K477Q, K495Q.
Identifiers: ClinVar variation 843699 (VCV000843699.11), dbSNP rs1597874665, ClinGen allele CA10598637.

ClinVar aggregate classification (germline): Conflicting classifications of pathogenicity. Review status: criteria provided, conflicting classifications (1 of 4 stars). 2 submissions from 2 submitters: Uncertain significance (1); Likely benign (1). Last evaluated 2023-03-23.

Conditions:
Hereditary cancer-predisposing syndrome. Also called: Hereditary Cancer Syndrome; Hereditary neoplastic syndrome; Tumor predisposition; Neoplastic Syndromes, Hereditary. Identifiers: Orphanet 140162, MedGen C0027672, MeSH D009386, MONDO:0015356.
Hereditary breast ovarian cancer syndrome. Also called: Breast and ovarian cancer; Hereditary breast and ovarian cancer syndrome; Hereditary breast and ovarian cancer syndrome (HBOC); BRCA1- and BRCA2-Associated Hereditary Breast and Ovarian Cancer; Hereditary breast and ovarian cancer; Hereditary breast and/or ovarian cancer syndrome. Identifiers: Orphanet 145, MedGen C0677776, MeSH D061325, MONDO:0003582. Disease mechanism: loss of function.

Submissions (2):

University of Washington Department of Laboratory Medicine, University of Washington
Classification: Likely benign for Hereditary cancer-predisposing syndrome. Last evaluated: 2023-03-23. Review status: criteria provided, single submitter. Criteria: Dines et al. (Genet Med. 2020). Collection method: curation. Allele origin: germline.
Comment: Missense variant in a coldspot region where missense variants are very unlikely to be pathogenic (PMID:31911673).

BRCA1 coldspot (exon 11 using historical exon numbering). Reclassification based on statistical prior probability

Labcorp Genetics (formerly Invitae), Labcorp
Classification: Uncertain significance for Hereditary breast ovarian cancer syndrome. Last evaluated: 2021-10-06. Review status: criteria provided, single submitter. Criteria: Invitae Variant Classification Sherloc (09022015). Collection method: clinical testing. Allele origin: germline.
Comment: This variant is not present in population databases (ExAC no frequency). In summary, the available evidence is currently insufficient to determine the role of this variant in disease. Therefore, it has been classified as a Variant of Uncertain Significance. Algorithms developed to predict the effect of missense changes on protein structure and function output the following: SIFT: "Tolerated"; PolyPhen-2: "Benign"; Align-GVGD: "Class C0". The glutamine amino acid residue is found in multiple mammalian species, which suggests that this missense change does not adversely affect protein function. This variant has not been reported in the literature in individuals affected with BRCA1-related conditions. This sequence change replaces lysine with glutamine at codon 566 of the BRCA1 protein (p.Lys566Gln). The lysine residue is moderately conserved and there is a small physicochemical difference between lysine and glutamine.